The following is an entry in ClinVar:

NM_019096.5(GTPBP2):c.445G>A (p.Asp149Asn)

Gene: GTPBP2 (GTP binding protein 2; minus strand). Cytogenetic location: 6p21.1.
Variant type: single nucleotide variant.
Coding change: c.445G>A on transcript NM_019096.5 (MANE Select); coding-DNA position 445, G replaced by A.
Protein change: p.Asp149Asn; replaces aspartic acid 149 with asparagine.
Molecular consequence: missense variant.
Genome position (GRCh38, 1-based): chr6:43,625,818, C>T on the plus strand (G>A on the coding strand, the complement: GTPBP2 is on the minus strand). VCF-style: chr6-43625818-C-T. GRCh37 (hg19) VCF-style: chr6-43593555-C-T.
Other names: c.181G>A, p.Asp61Asn (NM_001286216.2); short protein forms D61N, D149N.
Identifiers: ClinVar variation 1911029 (VCV001911029.4), dbSNP rs750439802, ClinGen allele CA3827787.
Genomic context (GRCh38, chr6:43,625,818, plus strand): 5'-GTTGGTTGTCAGGGACCTTTCGTACTAGCACCTCGGTGATCTTCCGGGGCATGTCGCTAT[C>T]ATAATCCACTTCTCGCTCTCGAAGAACGGTTATGTCTGCCCCAACCCTGTCACAGCAAGG-3'
Protein context (NP_061969.3, residues 139-159): TVLREREVDY[Asp149Asn]SDMPRKITEV

ClinVar aggregate classification (germline): Uncertain significance (1 of 4 stars; one submission).

Allele frequency attached by ClinVar (database versions not stated): TOPMed below 0.00001; ExAC 0.00001; gnomAD exomes 0.00002.
gnomAD v4.1: 9 of 1,614,106 alleles (0.00056%); highest among the groups gnomAD compares: Admixed American, 0.015%; no homozygotes.

Submission:

Labcorp Genetics (formerly Invitae), Labcorp
Classification: Uncertain significance. Last evaluated: 2022-08-16. Review status: criteria provided, single submitter. Criteria: Invitae Variant Classification Sherloc (09022015). Collection method: clinical testing. Allele origin: germline.
Comment: In summary, the available evidence is currently insufficient to determine the role of this variant in disease. Therefore, it has been classified as a Variant of Uncertain Significance. Algorithms developed to predict the effect of missense changes on protein structure and function (SIFT, PolyPhen-2, Align-GVGD) all suggest that this variant is likely to be tolerated. This variant is present in population databases (rs750439802, gnomAD 0.02%). This variant has not been reported in the literature in individuals affected with GTPBP2-related conditions. This sequence change replaces aspartic acid, which is acidic and polar, with asparagine, which is neutral and polar, at codon 149 of the GTPBP2 protein (p.Asp149Asn).